The following is an entry in ClinVar:

ClinVar aggregate classification (germline): Benign/Likely benign. Review status: criteria provided, multiple submitters, no conflicts (2 of 4 stars). 14 submissions from 13 submitters: Benign (8); Likely benign (3). 3 of the submissions do not count toward it. Last evaluated 2026-02-04.

Conditions:
Diabetes insipidus, nephrogenic, X-linked. Also called: Nephrogenic Diabetes Insipidus, Type I. Identifiers: Orphanet 223, MedGen C1563705, MONDO:0010581, OMIM 304800.
Nephrogenic syndrome of inappropriate antidiuresis (NSIAD). Identifiers: Orphanet 93606, MedGen C1845202, MONDO:0010356, OMIM 300539.

Allele frequency attached by ClinVar (database versions not stated): 1000 Genomes Project 0.99921; ExAC 0.99930; gnomAD exomes 0.99937; 1000 Genomes Project 30x 0.99958; TOPMed 0.99967; gnomAD 0.99968.

Submissions (14):

Labcorp Genetics (formerly Invitae), Labcorp
Classification: Benign. Last evaluated: 2026-02-04. Review status: criteria provided, single submitter. Criteria: Invitae Variant Classification Sherloc (09022015). Collection method: clinical testing. Allele origin: germline.

Mayo Clinic Laboratories, Mayo Clinic
Classification: Likely benign. Last evaluated: 2025-06-24. Review status: criteria provided, single submitter. Criteria: ACMG Guidelines, 2015. Collection method: clinical testing. Allele origin: germline. Observed: 177 variant alleles.

Blueprint Genetics
Classification: Benign. Last evaluated: 2024-11-28. Review status: criteria provided, single submitter. Criteria: ACMG Guidelines, 2015. Collection method: clinical testing. Allele origin: germline.

Genome-Nilou Lab
Classification: Benign for Nephrogenic syndrome of inappropriate antidiuresis. Last evaluated: 2021-07-14. Review status: criteria provided, single submitter. Criteria: ACMG Guidelines, 2015. Collection method: clinical testing. Allele origin: germline. Affected: no.

Genome-Nilou Lab
Classification: Benign for Diabetes insipidus, nephrogenic, X-linked. Last evaluated: 2021-07-14. Review status: criteria provided, single submitter. Criteria: ACMG Guidelines, 2015. Collection method: clinical testing. Allele origin: germline. Affected: no.

Athena Diagnostics
Classification: Benign. Last evaluated: 2021-06-22. Review status: criteria provided, single submitter. Criteria: Athena Diagnostics Criteria. Collection method: clinical testing. Allele origin: unknown.

GeneDx
Classification: Benign. Last evaluated: 2021-05-04. Review status: criteria provided, single submitter. Criteria: GeneDx Variant Classification Process June 2021. Collection method: clinical testing. Allele origin: germline. Affected: yes.

Illumina Laboratory Services, Illumina
Classification: Benign for Diabetes insipidus, nephrogenic, X-linked. Last evaluated: 2017-04-27. Review status: criteria provided, single submitter. Criteria: ICSL Variant Classification Criteria 13 December 2019. Collection method: clinical testing. Allele origin: germline.
Comment: This variant was observed as part of a predisposition screen in an ostensibly healthy population. A literature search was performed for the gene, cDNA change, and amino acid change (where applicable). No publications were found based on this search. Allele frequency data from public databases was too high to be consistent with this variant causing disease. Therefore, this variant is classified as benign.

PreventionGenetics, part of Exact Sciences
Classification: Benign. Last evaluated: 2016-02-03. Review status: criteria provided, single submitter. Criteria: ACMG Guidelines, 2015. Collection method: clinical testing. Allele origin: germline.

Laboratory for Molecular Medicine, Mass General Brigham Personalized Medicine
Classification: Likely benign. Last evaluated: 2016-02-02. Review status: criteria provided, single submitter. Criteria: LMM Criteria. Collection method: clinical testing. Allele origin: germline. Observed: 1 variant allele.
Comment: This is a RefSeq error. The reference base (c.26-6T) is the minor allele. This a llele (T) has been identified in 0.78% (22/2806) of East Asian chromosomes by th e Exome Aggregation Consortium (ExAC; dbSNP rs56 689668) and thus meets criteria to be classified as likely benign.

Breakthrough Genomics
Classification: Likely benign. Review status: criteria provided, single submitter. Criteria: ACMG Guidelines, 2015. Collection method: not provided. Allele origin: germline. Inheritance: X-linked inheritance. Affected: yes.

Diagnostic Laboratory, Department of Genetics, University Medical Center Groningen
Classification: Benign. Review status: no assertion criteria provided. Collection method: clinical testing. Allele origin: germline. Affected: yes. Study: VKGL Data-share Consensus. Not counted in ClinVar's aggregate classification.

Genome Diagnostics Laboratory, University Medical Center Utrecht
Classification: Benign. Review status: no assertion criteria provided. Collection method: clinical testing. Allele origin: germline. Affected: yes. Study: VKGL Data-share Consensus. Not counted in ClinVar's aggregate classification.

Joint Genome Diagnostic Labs from Nijmegen and Maastricht, Radboudumc and MUMC+
Classification: Benign. Review status: no assertion criteria provided. Collection method: clinical testing. Allele origin: germline. Affected: yes. Study: VKGL Data-share Consensus. Not counted in ClinVar's aggregate classification.

NM_000054.7(AVPR2):c.26-6T>G

Gene: AVPR2 (arginine vasopressin receptor 2; plus strand). Cytogenetic location: Xq28.
Variant type: single nucleotide variant.
Coding change: c.26-6T>G on transcript NM_000054.7 (MANE Select); 6 bases into the intron before coding-DNA position 26, T replaced by G.
Molecular consequence: intron variant.
Genome position (GRCh38, 1-based): chrX:153,905,526, T>G. VCF-style: chrX-153905526-T-G. GRCh37 (hg19) VCF-style: chrX-153170980-T-G.
Other names: p.?; c.26-6T>G (NM_001146151.3).
Identifiers: ClinVar variation 254772 (VCV000254772.27), dbSNP rs56689668, ClinGen allele CA10554936.
Genomic context (GRCh38, chrX:153,905,526, plus strand): 5'-AGGCAGGCCTGAGTCCCCCTGCACAGCACCCTCTCTAACCAGGCCCTCTTCCCGACTCCT[T>G]CCCAGCTGTGCCTGGGCATCCCTCTCTGCCCAGCCTGCCCAGCAACAGCAGCCAGGAGAG-3'